The following is an entry in ClinVar:

ClinVar aggregate classification (germline): Uncertain significance (1 of 4 stars; one submission).

Allele frequency attached by ClinVar (database versions not stated): gnomAD 0.00001.
gnomAD v4.1: 2 of 1,126,686 alleles (0.00018%); highest among the groups gnomAD compares: Non-Finnish European, 0.00011%; no homozygotes.

Submission:

Labcorp Genetics (formerly Invitae), Labcorp
Classification: Uncertain significance. Last evaluated: 2024-05-09. Review status: criteria provided, single submitter. Criteria: Invitae Variant Classification Sherloc (09022015). Collection method: clinical testing. Allele origin: germline.
Comment: This sequence change replaces glycine, which is neutral and non-polar, with glutamic acid, which is acidic and polar, at codon 167 of the MYCN protein (p.Gly167Glu). The frequency data for this variant in the population databases is considered unreliable, as metrics indicate poor data quality at this position in the gnomAD database. This variant has not been reported in the literature in individuals affected with MYCN-related conditions. Advanced modeling of protein sequence and biophysical properties (such as structural, functional, and spatial information, amino acid conservation, physicochemical variation, residue mobility, and thermodynamic stability) performed at Invitae indicates that this missense variant is not expected to disrupt MYCN protein function with a negative predictive value of 80%. In summary, the available evidence is currently insufficient to determine the role of this variant in disease. Therefore, it has been classified as a Variant of Uncertain Significance.

NM_005378.6(MYCN):c.500G>A (p.Gly167Glu)

Gene: MYCN (MYCN proto-oncogene, bHLH transcription factor; plus strand). Cytogenetic location: 2p24.3.
Variant type: single nucleotide variant.
Coding change: c.500G>A on transcript NM_005378.6 (MANE Select); coding-DNA position 500, G replaced by A.
Protein change: p.Gly167Glu; replaces glycine 167 with glutamic acid.
Molecular consequence: missense variant. On other transcripts: 3 prime UTR variant (1), intron variant (1).
Genome position (GRCh38, 1-based): chr2:15,942,564, G>A. VCF-style: chr2-15942564-G-A. GRCh37 (hg19) VCF-style: chr2-16082686-G-A.
Other names: c.500G>A, p.Gly167Glu (NM_001293228.2); c.*435G>A (NM_001293233.2); c.157+1821G>A (NM_001293231.2); short protein forms G167E.
Identifiers: ClinVar variation 2877279 (VCV002877279.3), dbSNP rs1371290338, ClinGen allele CA345931008.